The following is an entry in ClinVar:

ClinVar aggregate classification (germline): Uncertain significance (1 of 4 stars; one submission).

Allele frequency attached by ClinVar (database versions not stated): ExAC 0.00004; gnomAD exomes 0.00002; TOPMed 0.00002.
gnomAD v4.1: 46 of 1,614,024 alleles (0.0029%); highest among the groups gnomAD compares: African/African-American, 0.0053%; no homozygotes.

Submission:

Labcorp Genetics (formerly Invitae), Labcorp
Classification: Uncertain significance. Last evaluated: 2022-08-16. Review status: criteria provided, single submitter. Criteria: Invitae Variant Classification Sherloc (09022015). Collection method: clinical testing. Allele origin: germline.
Comment: In summary, the available evidence is currently insufficient to determine the role of this variant in disease. Therefore, it has been classified as a Variant of Uncertain Significance. Algorithms developed to predict the effect of missense changes on protein structure and function are either unavailable or do not agree on the potential impact of this missense change (SIFT: "Deleterious"; PolyPhen-2: "Benign"; Align-GVGD: "Class C0"). ClinVar contains an entry for this variant (Variation ID: 1499074). This variant has not been reported in the literature in individuals affected with CCDC8-related conditions. This variant is present in population databases (rs756260382, gnomAD 0.004%). This sequence change replaces arginine, which is basic and polar, with tryptophan, which is neutral and slightly polar, at codon 493 of the CCDC8 protein (p.Arg493Trp).

NM_032040.5(CCDC8):c.1477C>T (p.Arg493Trp)

Gene: CCDC8 (coiled-coil domain containing 8; minus strand). Cytogenetic location: 19q13.32.
Variant type: single nucleotide variant.
Coding change: c.1477C>T on transcript NM_032040.5 (MANE Select); coding-DNA position 1477, C replaced by T.
Protein change: p.Arg493Trp; replaces arginine 493 with tryptophan.
Molecular consequence: missense variant.
Genome position (GRCh38, 1-based): chr19:46,411,334, G>A on the plus strand (C>T on the coding strand, the complement: CCDC8 is on the minus strand). VCF-style: chr19-46411334-G-A. GRCh37 (hg19) VCF-style: chr19-46914591-G-A.
Other names: short protein forms R493W.
Identifiers: ClinVar variation 1499074 (VCV001499074.6), dbSNP rs756260382, ClinGen allele CA9528474.